The following is an entry in ClinVar:

NM_000245.4(MET):c.2534A>G (p.Glu845Gly)

Gene: MET (MET proto-oncogene, receptor tyrosine kinase; plus strand). Cytogenetic location: 7q31.2.
Variant type: single nucleotide variant.
Coding change: c.2534A>G on transcript NM_000245.4 (MANE Select); coding-DNA position 2534, A replaced by G.
Protein change: p.Glu845Gly; replaces glutamic acid 845 with glycine.
Molecular consequence: missense variant.
Genome position (GRCh38, 1-based): chr7:116,763,219, A>G. VCF-style: chr7-116763219-A-G. GRCh37 (hg19) VCF-style: chr7-116403273-A-G.
Other names: c.2588A>G, p.Glu863Gly (NM_001127500.3); c.2534A>G, p.Glu845Gly (NM_001324401.3); c.1244A>G, p.Glu415Gly (NM_001324402.2); c.2588A>G (NM_001127500.1); short protein forms E415G, E845G, E863G.
Identifiers: ClinVar variation 999320 (VCV000999320.9), dbSNP rs1794471154, ClinGen allele CA368983561.

ClinVar aggregate classification (germline): Uncertain significance. Review status: criteria provided, multiple submitters, no conflicts (2 of 4 stars). 2 submissions from 2 submitters: Uncertain significance (2). Last evaluated 2025-02-06.

Conditions:
Renal cell carcinoma. Identifiers: Orphanet 217071, MedGen C0007134, MeSH D002292, MONDO:0005086, HP:0005584.
Hereditary cancer-predisposing syndrome. Also called: Neoplastic Syndromes, Hereditary; Tumor predisposition; Hereditary Cancer Syndrome; Hereditary neoplastic syndrome. Identifiers: Orphanet 140162, MedGen C0027672, MeSH D009386, MONDO:0015356.

Submissions (2):

Ambry Genetics
Classification: Uncertain significance for Hereditary cancer-predisposing syndrome. Last evaluated: 2025-02-06. Review status: criteria provided, single submitter. Criteria: Ambry Variant Classification Scheme 2023. Collection method: clinical testing. Allele origin: germline.
Comment: The p.E863G variant (also known as c.2588A>G), located in coding exon 10 of the MET gene, results from an A to G substitution at nucleotide position 2588. The glutamic acid at codon 863 is replaced by glycine, an amino acid with similar properties. This amino acid position is conserved. In addition, the in silico prediction for this alteration is inconclusive. Based on the available evidence, the clinical significance of this variant remains unclear.

Labcorp Genetics (formerly Invitae), Labcorp
Classification: Uncertain significance for Renal cell carcinoma. Last evaluated: 2020-07-08. Review status: criteria provided, single submitter. Criteria: Invitae Variant Classification Sherloc (09022015). Collection method: clinical testing. Allele origin: germline.
Comment: In summary, the available evidence is currently insufficient to determine the role of this variant in disease. Therefore, it has been classified as a Variant of Uncertain Significance. Algorithms developed to predict the effect of missense changes on protein structure and function are either unavailable or do not agree on the potential impact of this missense change (SIFT: "Deleterious"; PolyPhen-2: "Benign"; Align-GVGD: "Class C0"). This variant has not been reported in the literature in individuals with MET-related conditions. This variant is not present in population databases (ExAC no frequency). This sequence change replaces glutamic acid with glycine at codon 863 of the MET protein (p.Glu863Gly). The glutamic acid residue is moderately conserved and there is a moderate physicochemical difference between glutamic acid and glycine.